The following is an entry in ClinVar:

NM_000435.3(NOTCH3):c.2995-6C>T

Gene: NOTCH3 (notch receptor 3; minus strand). Cytogenetic location: 19p13.12.
Variant type: single nucleotide variant.
Coding change: c.2995-6C>T on transcript NM_000435.3 (MANE Select); 6 bases into the intron before coding-DNA position 2995, C replaced by T.
Molecular consequence: intron variant.
Genome position (GRCh38, 1-based): chr19:15,180,834, G>A on the plus strand (C>T on the coding strand, the complement: NOTCH3 is on the minus strand). VCF-style: chr19-15180834-G-A. GRCh37 (hg19) VCF-style: chr19-15291645-G-A.
Other names: p.?.
Identifiers: ClinVar variation 767047 (VCV000767047.10), dbSNP rs552141058, ClinGen allele CA9263199.

ClinVar aggregate classification (germline): Benign/Likely benign. Review status: criteria provided, multiple submitters, no conflicts (2 of 4 stars). 4 submissions from 4 submitters: Benign (1); Likely benign (3). Last evaluated 2024-12-31.

Allele frequency attached by ClinVar (database versions not stated): TOPMed 0.00006; ExAC 0.00007; gnomAD exomes 0.00007 and 0.00008; gnomAD 0.00008 and 0.00009; 1000 Genomes Project 0.00040; 1000 Genomes Project 30x 0.00047.
gnomAD v4.1: 134 of 1,612,520 alleles (0.0083%); highest among the groups gnomAD compares: Middle Eastern, 0.099%; no homozygotes.

Submissions (4):

Mayo Clinic Laboratories, Mayo Clinic
Classification: Likely benign. Last evaluated: 2024-12-31. Review status: criteria provided, single submitter. Criteria: ACMG Guidelines, 2015. Collection method: clinical testing. Allele origin: germline. Observed: 1 variant allele.
Comment: BS2, BP4, BP7

Blueprint Genetics
Classification: Likely benign. Last evaluated: 2024-09-25. Review status: criteria provided, single submitter. Criteria: ACMG Guidelines, 2015. Collection method: clinical testing. Allele origin: germline.

Labcorp Genetics (formerly Invitae), Labcorp
Classification: Likely benign. Last evaluated: 2023-05-15. Review status: criteria provided, single submitter. Criteria: Invitae Variant Classification Sherloc (09022015). Collection method: clinical testing. Allele origin: germline.

Athena Diagnostics
Classification: Benign. Last evaluated: 2021-02-26. Review status: criteria provided, single submitter. Criteria: Athena Diagnostics criteria. Collection method: clinical testing. Allele origin: unknown.